The following is an entry in ClinVar:

ClinVar aggregate classification (germline): Uncertain significance (1 of 4 stars; one submission).

Allele frequency attached by ClinVar (database versions not stated): gnomAD exomes below 0.00001; TOPMed below 0.00001; gnomAD 0.00001.
gnomAD v4.1: 7 of 1,613,884 alleles (0.00043%); highest among the groups gnomAD compares: Non-Finnish European, 0.00059%; no homozygotes.

Submission:

Labcorp Genetics (formerly Invitae), Labcorp
Classification: Uncertain significance. Last evaluated: 2022-03-10. Review status: criteria provided, single submitter. Criteria: Invitae Variant Classification Sherloc (09022015). Collection method: clinical testing. Allele origin: germline.
Comment: This sequence change replaces serine, which is neutral and polar, with asparagine, which is neutral and polar, at codon 691 of the WHRN protein (p.Ser691Asn). This variant is not present in population databases (gnomAD no frequency). This variant has not been reported in the literature in individuals affected with WHRN-related conditions. Algorithms developed to predict the effect of missense changes on protein structure and function (SIFT, PolyPhen-2, Align-GVGD) all suggest that this variant is likely to be tolerated. In summary, the available evidence is currently insufficient to determine the role of this variant in disease. Therefore, it has been classified as a Variant of Uncertain Significance.

NM_015404.4(WHRN):c.2072G>A (p.Ser691Asn)

Gene: WHRN (whirlin; minus strand). Cytogenetic location: 9q32.
Variant type: single nucleotide variant.
Coding change: c.2072G>A on transcript NM_015404.4 (MANE Select); coding-DNA position 2072, G replaced by A.
Protein change: p.Ser691Asn; replaces serine 691 with asparagine.
Molecular consequence: missense variant.
Genome position (GRCh38, 1-based): chr9:114,406,519, C>T on the plus strand (G>A on the coding strand, the complement: WHRN is on the minus strand). VCF-style: chr9-114406519-C-T. GRCh37 (hg19) VCF-style: chr9-117168799-C-T.
Other names: c.923G>A, p.Ser308Asn (NM_001083885.3); c.2072G>A, p.Ser691Asn (NM_001173425.2); c.1019G>A, p.Ser340Asn (NM_001346890.1); short protein forms S340N, S308N, S691N.
Identifiers: ClinVar variation 1494294 (VCV001494294.8), dbSNP rs1314831998, ClinGen allele CA374620357.
Genomic context (GRCh38, chr9:114,406,519, plus strand): 5'-TGGCCAGAGGGTGATGGGGGCAGAAGGCAGCCCCCAGCCACTGTGGCCTCTGCAGAGGGG[C>T]TTTTCAGGTGCGGGGGTGACTGGACCCGTGGGAAGGGGCCGATGGGGTGTTGGTTGACCA-3'
Protein context (NP_056219.3, residues 681-701): PRVQSPPHLK[Ser691Asn]PSAEATVAGG